The following is an entry in ClinVar:

ClinVar aggregate classification (germline): Uncertain significance. Review status: criteria provided, multiple submitters, no conflicts (2 of 4 stars). 2 submissions from 2 submitters: Uncertain significance (2). Last evaluated 2024-11-11.

Conditions:
Inborn genetic diseases. Identifiers: MedGen C0950123, MeSH D030342.

gnomAD v4.1: 6 of 1,613,182 alleles (0.00037%); highest among the groups gnomAD compares: Admixed American, 0.005%; no homozygotes.

Submissions (2):

Labcorp Genetics (formerly Invitae), Labcorp
Classification: Uncertain significance. Last evaluated: 2024-11-11. Review status: criteria provided, single submitter. Criteria: Invitae Variant Classification Sherloc (09022015). Collection method: clinical testing. Allele origin: germline.
Comment: This sequence change replaces proline, which is neutral and non-polar, with arginine, which is basic and polar, at codon 793 of the COL18A1 protein (p.Pro793Arg). This variant is present in population databases (rs367551698, gnomAD 0.006%). This variant has not been reported in the literature in individuals affected with COL18A1-related conditions. ClinVar contains an entry for this variant (Variation ID: 2185205). Experimental studies and prediction algorithms are not available or were not evaluated, and the functional significance of this variant is currently unknown. In summary, the available evidence is currently insufficient to determine the role of this variant in disease. Therefore, it has been classified as a Variant of Uncertain Significance.

Ambry Genetics
Classification: Uncertain significance for Inborn genetic diseases. Last evaluated: 2021-07-27. Review status: criteria provided, single submitter. Criteria: Ambry Variant Classification Scheme 2023. Collection method: clinical testing. Allele origin: germline.

NM_001379500.1(COL18A1):c.2378C>G (p.Pro793Arg)

Gene: COL18A1 (collagen type XVIII alpha 1 chain; plus strand). Cytogenetic location: 21q22.3.
Variant type: single nucleotide variant.
Coding change: c.2378C>G on transcript NM_001379500.1 (MANE Select); coding-DNA position 2378, C replaced by G.
Protein change: p.Pro793Arg; replaces proline 793 with arginine.
Molecular consequence: missense variant.
Genome position (GRCh38, 1-based): chr21:45,494,570, C>G. VCF-style: chr21-45494570-C-G. GRCh37 (hg19) VCF-style: chr21-46914484-C-G.
Other names: NM_130445.2:c.2378C>G; c.2918C>G, p.Pro973Arg (NM_030582.4); c.3623C>G, p.Pro1208Arg (NM_130444.3); short protein forms P1208R, P793R, P973R.
Identifiers: ClinVar variation 2185205 (VCV002185205.5), dbSNP rs367551698, ClinGen allele CA10067027.
Genomic context (GRCh38, chr21:45,494,570, plus strand): 5'-GCCACCTAACCCTGTCTTCTTGTTTTTTTGCTCAGGGAGAGCCGGGCTTCCGAGGACCCC[C>G]GGTAAGTCGGTCCCTGGCTTTCTCTGCACTGAGCTCGGGCATGACGGCCCCCAAGGACAC-3'
Protein context (NP_001366429.1, residues 783-803): AKGEPGFRGP[Pro793Arg]GPYGRPGYKG